The following is an entry in ClinVar:

ClinVar aggregate classification (germline): Uncertain significance. Review status: criteria provided, multiple submitters, no conflicts (2 of 4 stars). 2 submissions from 2 submitters: Uncertain significance (2). Last evaluated 2025-12-15.

gnomAD v4.1: 2 of 1,610,846 alleles (0.00012%); highest among the groups gnomAD compares: African/African-American, 0.0027%; no homozygotes.

Submissions (2):

Labcorp Genetics (formerly Invitae), Labcorp
Classification: Uncertain significance. Last evaluated: 2025-12-15. Review status: criteria provided, single submitter. Criteria: Invitae Variant Classification Sherloc (09022015). Collection method: clinical testing. Allele origin: germline.
Comment: This sequence change replaces serine, which is neutral and polar, with threonine, which is neutral and polar, at codon 480 of the NUP133 protein (p.Ser480Thr). This variant is not present in population databases (gnomAD no frequency). This variant has not been reported in the literature in individuals affected with NUP133-related conditions. An algorithm developed to predict the effect of missense changes on protein structure and function (PolyPhen-2) suggests that this variant is likely to be disruptive. In summary, the available evidence is currently insufficient to determine the role of this variant in disease. Therefore, it has been classified as a Variant of Uncertain Significance.

Ambry Genetics
Classification: Uncertain significance. Last evaluated: 2025-10-22. Review status: criteria provided, single submitter. Criteria: Ambry Variant Classification Scheme 2023. Collection method: clinical testing. Allele origin: germline.

NM_018230.3(NUP133):c.1438T>A (p.Ser480Thr)

Gene: NUP133 (nucleoporin 133; minus strand). Cytogenetic location: 1q42.13.
Variant type: single nucleotide variant.
Coding change: c.1438T>A on transcript NM_018230.3 (MANE Select); coding-DNA position 1438, T replaced by A.
Protein change: p.Ser480Thr; replaces serine 480 with threonine.
Molecular consequence: missense variant.
Genome position (GRCh38, 1-based): chr1:229,486,433, A>T on the plus strand (T>A on the coding strand, the complement: NUP133 is on the minus strand). VCF-style: chr1-229486433-A-T. GRCh37 (hg19) VCF-style: chr1-229622180-A-T.
Other names: short protein forms S480T.
Identifiers: ClinVar variation 4559786 (VCV004559786.2).